The following is an entry in ClinVar:

NM_032444.4(SLX4):c.4334G>A (p.Arg1445Gln)

Gene: SLX4 (SLX4 structure-specific endonuclease subunit; minus strand). Cytogenetic location: 16p13.3.
Variant type: single nucleotide variant.
Coding change: c.4334G>A on transcript NM_032444.4 (MANE Select); coding-DNA position 4334, G replaced by A.
Protein change: p.Arg1445Gln; replaces arginine 1445 with glutamine.
Molecular consequence: missense variant.
Genome position (GRCh38, 1-based): chr16:3,589,304, C>T on the plus strand (G>A on the coding strand, the complement: SLX4 is on the minus strand). VCF-style: chr16-3589304-C-T. GRCh37 (hg19) VCF-style: chr16-3639305-C-T.
Other names: c.4334G>A (NM_032444.2); short protein forms R1445Q.
Identifiers: ClinVar variation 1473151 (VCV001473151.7), dbSNP rs756660911, ClinGen allele CA7865684.

ClinVar aggregate classification (germline): Uncertain significance. Review status: criteria provided, multiple submitters, no conflicts (2 of 4 stars). 3 submissions from 3 submitters: Uncertain significance (3). Last evaluated 2025-11-24.

Conditions:
Inborn genetic diseases. Identifiers: MedGen C0950123, MeSH D030342.
Fanconi anemia (FA). Also called: Fanconi's anemia. Identifiers: Orphanet 84, MedGen C0015625, MeSH D005199, MONDO:0019391.
Fanconi anemia complementation group P. Also called: SLX4-Related Fanconi Anemia. Identifiers: Orphanet 84, MedGen C3469542, MONDO:0013499, OMIM 613951.

Allele frequency attached by ClinVar (database versions not stated): gnomAD 0.00001; gnomAD exomes 0.00001; ExAC 0.00002; TOPMed 0.00002.

Submissions (3):

Labcorp Genetics (formerly Invitae), Labcorp
Classification: Uncertain significance for Fanconi anemia. Last evaluated: 2025-11-24. Review status: criteria provided, single submitter. Criteria: Invitae Variant Classification Sherloc (09022015). Collection method: clinical testing. Allele origin: germline.
Comment: This sequence change replaces arginine, which is basic and polar, with glutamine, which is neutral and polar, at codon 1445 of the SLX4 protein (p.Arg1445Gln). This variant is present in population databases (rs756660911, gnomAD 0.01%). This variant has not been reported in the literature in individuals affected with SLX4-related conditions. ClinVar contains an entry for this variant (Variation ID: 1473151). An algorithm developed to predict the effect of missense changes on protein structure and function outputs the following: PolyPhen-2: "Benign". The glutamine amino acid residue is found in multiple mammalian species, which suggests that this missense change does not adversely affect protein function. In summary, the available evidence is currently insufficient to determine the role of this variant in disease. Therefore, it has been classified as a Variant of Uncertain Significance.

Ambry Genetics
Classification: Uncertain significance for Inborn genetic diseases. Last evaluated: 2024-06-19. Review status: criteria provided, single submitter. Criteria: Ambry Variant Classification Scheme 2023. Collection method: clinical testing. Allele origin: germline.

Fulgent Genetics
Classification: Uncertain significance for Fanconi anemia complementation group P. Last evaluated: 2021-12-16. Review status: criteria provided, single submitter. Criteria: ACMG Guidelines, 2015. Collection method: clinical testing. Allele origin: unknown.